The following is an entry in ClinVar:

ClinVar aggregate classification (germline): Likely benign. Review status: criteria provided, multiple submitters, no conflicts (2 of 4 stars). 2 submissions from 2 submitters: Likely benign (2). Last evaluated 2025-11-19.

gnomAD v4.1: 1 of 1,607,120 alleles (0.000062%); highest among the groups gnomAD compares: Admixed American, 0.0017%; no homozygotes.

Submissions (2):

Labcorp Genetics (formerly Invitae), Labcorp
Classification: Likely benign. Last evaluated: 2025-11-19. Review status: criteria provided, single submitter. Criteria: Invitae Variant Classification Sherloc (09022015). Collection method: clinical testing. Allele origin: germline.

CeGaT Center for Human Genetics Tuebingen
Classification: Likely benign. Last evaluated: 2025-10-01. Review status: criteria provided, single submitter. Criteria: CeGaT Center For Human Genetics Tuebingen Variant Classification Criteria Version 2. Collection method: clinical testing. Allele origin: germline. Affected: yes. Observed: 1 variant allele.
Comment: HERC1: BP4, BP7

NM_003922.4(HERC1):c.11505A>C (p.Ala3835=)

Gene: HERC1 (HECT and RLD domain containing E3 ubiquitin protein ligase family member 1; minus strand). Cytogenetic location: 15q22.31.
Variant type: single nucleotide variant.
Coding change: c.11505A>C on transcript NM_003922.4 (MANE Select); coding-DNA position 11505, A replaced by C.
Protein change: p.Ala3835=; no amino-acid change (alanine 3835 retained).
Molecular consequence: synonymous variant.
Genome position (GRCh38, 1-based): chr15:63,641,572, T>G on the plus strand (A>C on the coding strand, the complement: HERC1 is on the minus strand). VCF-style: chr15-63641572-T-G. GRCh37 (hg19) VCF-style: chr15-63933771-T-G.
Identifiers: ClinVar variation 4535117 (VCV004535117.7).